The following is an entry in ClinVar:

NM_032119.4(ADGRV1):c.11585A>G (p.Asp3862Gly)

Gene: ADGRV1 (adhesion G protein-coupled receptor V1; plus strand). Cytogenetic location: 5q14.3.
Variant type: single nucleotide variant.
Coding change: c.11585A>G on transcript NM_032119.4 (MANE Select); coding-DNA position 11585, A replaced by G.
Protein change: p.Asp3862Gly; replaces aspartic acid 3862 with glycine.
Molecular consequence: missense variant. On other transcripts: non-coding transcript variant (1).
Genome position (GRCh38, 1-based): chr5:90,756,458, A>G. VCF-style: chr5-90756458-A-G. GRCh37 (hg19) VCF-style: chr5-90052275-A-G.
Other names: short protein forms D3862G.
Identifiers: ClinVar variation 1329480 (VCV001329480.3), dbSNP rs2149981215, ClinGen allele CA360367850.

ClinVar aggregate classification (germline): Uncertain significance (1 of 4 stars; one submission).

Conditions:
Febrile seizures, familial, 4 (FEB4). Also called: CONVULSIONS, FAMILIAL FEBRILE, 4. Identifiers: MedGen C1858493, MONDO:0011443, OMIM 604352.

Submission:

Diagnostics Services (NGS), CSIR - Centre For Cellular And Molecular Biology
Classification: Uncertain significance for Febrile seizures, familial, 4. Last evaluated: 2021-10-12. Review status: criteria provided, single submitter. Criteria: ACMG Guidelines, 2015. Collection method: clinical testing. Allele origin: unknown. Inheritance: Autosomal dominant inheritance. Affected: yes. Observed: 1 variant allele, 1 heterozygote.
Comment: The c.11585A>G variant is not present in publicly available population databases like 1000 Genomes, Exome Variant Server (EVS), Exome Aggregation Consortium (ExAC), Genome Aggregation Database (gnomAD) and dbSNP. The variant is not present in Indian Exome Database and in our in-house exome database. The variant was not earlier reported to ClinVar, Human Genome Mutation Database (HGMD) and OMIM databases in any affected individuals. Predictions from different in-silico pathogenicity prediction programs like SIFT, Polyphen-2, MutationTaster2, CADD etc. are contradictory. The variant is located near the exon-intron boundary (distance from splice-site is 5 bp) and may affect splicing by the significant alteration of auxiliary sequences (ESE/ESS) as predicted by Human Splice Finder v3.1 (Genomnis, France), but these predictions have not been confirmed by published functional studies.